The following is an entry in ClinVar:

ClinVar aggregate classification (germline): Uncertain significance (1 of 4 stars; one submission).

Conditions:
Neuropathy, hereditary sensory, type 2C. Also called: KIF1A-Related HSAN2 (HSAN2C); Hereditary sensory and autonomic neuropathy type IIC. Identifiers: Orphanet 970, MedGen C3280168, MONDO:0013634, OMIM 614213.
Hereditary spastic paraplegia 30. Identifiers: Orphanet 101010, MedGen C5235139, MONDO:0012476.
Intellectual disability, autosomal dominant 9 (NESCAVS). Also called: KIF1A-Related Neurodevelopmental Disorder; NESCAV SYNDROME. Identifiers: Orphanet 662367, MedGen C5393830, MONDO:0013656, OMIM 614255.

Submission:

Labcorp Genetics (formerly Invitae), Labcorp
Classification: Uncertain significance for Hereditary spastic paraplegia 30; Neuropathy, hereditary sensory, type 2C; Intellectual disability, autosomal dominant 9. Last evaluated: 2024-12-10. Review status: criteria provided, single submitter. Criteria: Invitae Variant Classification Sherloc (09022015). Collection method: clinical testing. Allele origin: germline.
Comment: This variant, c.4333_4335del, results in the deletion of 1 amino acid(s) of the KIF1A protein (p.Asn1445del), but otherwise preserves the integrity of the reading frame. This variant is not present in population databases (gnomAD no frequency). This variant has not been reported in the literature in individuals affected with KIF1A-related conditions. Experimental studies and prediction algorithms are not available or were not evaluated, and the functional significance of this variant is currently unknown. In summary, the available evidence is currently insufficient to determine the role of this variant in disease. Therefore, it has been classified as a Variant of Uncertain Significance.

NM_001244008.2(KIF1A):c.4636_4638del (p.Asn1546del)

Gene: KIF1A (kinesin family member 1A; minus strand). Cytogenetic location: 2q37.3.
Variant type: Deletion.
Coding change: c.4636_4638del on transcript NM_001244008.2 (MANE Select); coding-DNA positions 4636 to 4638, 3 bases deleted (AAC; older notation c.4636_4638delAAC).
Protein change: p.Asn1546del; deletes asparagine 1546.
Molecular consequence: inframe deletion.
Genome position (GRCh38, 1-based): chr2:240,722,483-240,722,485, GTT deleted on the plus strand (AAC on the coding strand, the reverse complement: KIF1A is on the minus strand); deleting any 3 consecutive bases within chr2:240,722,483-240,722,486 gives the same sequence; the c. name uses the placement nearest the transcript's 3' end. VCF-style (leftmost placement, unchanged base first): chr2-240722482-CGTT-C. GRCh37 (hg19) VCF-style: chr2-241661899-CGTT-C.
Other names: c.4360_4362del, p.Asn1454del (NM_001320705.2, NM_001379649.1); c.4387_4389del, p.Asn1463del (NM_001330289.2); c.4435_4437del, p.Asn1479del (NM_001330290.2, NM_001379648.1); c.4711_4713del, p.Asn1571del (NM_001379631.1); c.4612_4614del, p.Asn1538del (NM_001379632.1); c.4609_4611del, p.Asn1537del (NM_001379633.1, NM_001379645.1); c.4462_4464del, p.Asn1488del (NM_001379634.1); c.4459_4461del, p.Asn1487del (NM_001379635.1, NM_001379646.1); and 7 more; short protein forms N1444del, N1445del, N1453del, N1454del, N1462del, N1463del, N1470del, N1479del.
Identifiers: ClinVar variation 3759770 (VCV003759770.2).